The following continues an entry in ClinVar:

NM_004985.5(KRAS):c.35G>C (p.Gly12Ala)

Gene: KRAS. ClinVar aggregate classification (germline): Pathogenic/Likely pathogenic. Pathogenic (2); Likely pathogenic (2). ClinVar aggregate classification (somatic clinical impact): Tier I - Strong. ClinVar aggregate classification (oncogenicity): Oncogenic.

Submissions 7 to 12 of 12:

Juno Genomics, Hangzhou Juno Genomics, Inc
Classification: Pathogenic for Cerebral arteriovenous malformation; Malignant tumor of urinary bladder; Familial cancer of breast; Cardiofaciocutaneous syndrome 2; Gastric cancer; Acute myeloid leukemia; Lung cancer; Noonan syndrome 3; Toriello-Lacassie-Droste syndrome; Familial pancreatic carcinoma; Autoimmune lymphoproliferative syndrome type 4; Linear nevus sebaceous syndrome. Review status: criteria provided, single submitter. Criteria: ACMG Guidelines, 2015. Collection method: clinical testing. Allele origin: germline. Affected: yes.
Comment: Absent from controls (or at extremely low frequency if recessive) in Genome Aggregation Database, Exome Sequencing Project, 1000 Genomes Project, or Exome Aggregation Consortium.;Novel missense change at an amino acid residue where a different missense change determined to be pathogenic has been seen before.;Multiple lines of computational evidence support a deleterious effect on the gene or gene product (conservation, evolutionary, splicing impact, etc).;The prevalence of the variant in affected individuals is significantly increased compared to the prevalence in controls.

Institute of Medical Sciences, Banaras Hindu University
Classification: Pathogenic for Gallbladder cancer. Last evaluated: 2020-10-30. Review status: no assertion criteria provided. Collection method: research. Allele origin: somatic. Affected: yes. Not counted in ClinVar's aggregate classification.

Xiao lab, Department of Pathology, Memorial Sloan Kettering Cancer Center
Classification: Pathogenic for Multiple myeloma. Last evaluated: 2019-08-31. Review status: no assertion criteria provided. Collection method: clinical testing. Allele origin: somatic. Affected: yes. Not counted in ClinVar's aggregate classification.

Laboratory for Molecular Medicine, Mass General Brigham Personalized Medicine
Classification: Pathogenic for Non-small cell lung carcinoma. Last evaluated: 2007-12-07. Review status: no assertion criteria provided. Collection method: clinical testing. Allele origin: somatic. Observed: 37 variant alleles. Not counted in ClinVar's aggregate classification.

Department of Pathology and Laboratory Medicine, Sinai Health System
Classification: Pathogenic. Review status: no assertion criteria provided. Collection method: clinical testing. Allele origin: unknown. Affected: yes. Observed: 17 variant alleles. Study: The Canadian Open Genetics Repository (COGR). Not counted in ClinVar's aggregate classification.

Key Laboratory of Carcinogenesis and Cancer Invasion, Central South University
Classification: Likely pathogenic for Lung cancer. Review status: no assertion criteria provided. Collection method: clinical testing. Allele origin: somatic. Affected: yes. Not counted in ClinVar's aggregate classification.

Literature cited by the submitters: PubMed 23455880 (cited by Center for Genomic Medicine, Rigshospitalet, Copenhagen University Hospital); PubMed 26037647 (cited by Center for Genomic Medicine, Rigshospitalet, Copenhagen University Hospital and Institute for Genomic Medicine (IGM) Clinical Laboratory, Nationwide Children's Hospital); PubMed 32079091 (cited by Center for Genomic Medicine, Rigshospitalet, Copenhagen University Hospital); PubMed 29199977 (cited by Institute for Genomic Medicine (IGM) Clinical Laboratory, Nationwide Children's Hospital); PubMed 29564591 (cited by Institute for Genomic Medicine (IGM) Clinical Laboratory, Nationwide Children's Hospital); PubMed 36271929 (cited by Institute for Genomic Medicine (IGM) Clinical Laboratory, Nationwide Children's Hospital); PubMed 23817572 (cited by Institute for Genomic Medicine (IGM) Clinical Laboratory, Nationwide Children's Hospital); PubMed 23583981 (cited by Institute for Genomic Medicine (IGM) Clinical Laboratory, Nationwide Children's Hospital); PubMed 16247081 (cited by Institute for Genomic Medicine (IGM) Clinical Laboratory, Nationwide Children's Hospital); PubMed 17712732 (cited by Institute for Genomic Medicine (IGM) Clinical Laboratory, Nationwide Children's Hospital); PubMed 19373855 (cited by Institute for Genomic Medicine (IGM) Clinical Laboratory, Nationwide Children's Hospital); PubMed 21610151 (cited by Institute for Genomic Medicine (IGM) Clinical Laboratory, Nationwide Children's Hospital); PubMed 15696205 (cited by Laboratory for Molecular Medicine, Mass General Brigham Personalized Medicine).